The following is an entry in ClinVar:

NM_000350.3(ABCA4):c.3560C>T (p.Thr1187Met)

Gene: ABCA4 (ATP binding cassette subfamily A member 4; minus strand). Cytogenetic location: 1p22.1.
Variant type: single nucleotide variant.
Coding change: c.3560C>T on transcript NM_000350.3 (MANE Select); coding-DNA position 3560, C replaced by T.
Protein change: p.Thr1187Met; replaces threonine 1187 with methionine.
Molecular consequence: missense variant.
Genome position (GRCh38, 1-based): chr1:94,040,090, G>A on the plus strand (C>T on the coding strand, the complement: ABCA4 is on the minus strand). VCF-style: chr1-94040090-G-A. GRCh37 (hg19) VCF-style: chr1-94505646-G-A.
Other names: c.3560C>T (NM_000350.2); c.3338C>T, p.Thr1113Met (NM_001425324.1); short protein forms T1187M, T1113M.
Identifiers: ClinVar variation 1428436 (VCV001428436.7), dbSNP rs1266156413, ClinGen allele CA341290095.

ClinVar aggregate classification (germline): Uncertain significance. Review status: criteria provided, multiple submitters, no conflicts (2 of 4 stars). 2 submissions from 2 submitters: Uncertain significance (2). Last evaluated 2025-04-03.

Conditions:
Inborn genetic diseases. Identifiers: MedGen C0950123, MeSH D030342.

Allele frequency attached by ClinVar (database versions not stated): TOPMed below 0.00001; gnomAD 0.00001.
gnomAD v4.1: 7 of 1,610,264 alleles (0.00043%); highest among the groups gnomAD compares: Non-Finnish European, 0.00059%; no homozygotes.

Submissions (2):

Ambry Genetics
Classification: Uncertain significance for Inborn genetic diseases. Last evaluated: 2025-04-03. Review status: criteria provided, single submitter. Criteria: Ambry Variant Classification Scheme 2023. Collection method: clinical testing. Allele origin: germline.

Labcorp Genetics (formerly Invitae), Labcorp
Classification: Uncertain significance. Last evaluated: 2022-06-05. Review status: criteria provided, single submitter. Criteria: Invitae Variant Classification Sherloc (09022015). Collection method: clinical testing. Allele origin: germline.
Comment: In summary, the available evidence is currently insufficient to determine the role of this variant in disease. Therefore, it has been classified as a Variant of Uncertain Significance. Advanced modeling of protein sequence and biophysical properties (such as structural, functional, and spatial information, amino acid conservation, physicochemical variation, residue mobility, and thermodynamic stability) performed at Invitae indicates that this missense variant is not expected to disrupt ABCA4 protein function. ClinVar contains an entry for this variant (Variation ID: 1428436). This variant has not been reported in the literature in individuals affected with ABCA4-related conditions. This variant is not present in population databases (gnomAD no frequency). This sequence change replaces threonine, which is neutral and polar, with methionine, which is neutral and non-polar, at codon 1187 of the ABCA4 protein (p.Thr1187Met).